The following is an entry in ClinVar:

ClinVar aggregate classification (germline): Uncertain significance (1 of 4 stars; one submission).

gnomAD v4.1: 1 of 1,472,744 alleles (0.000068%); highest among the groups gnomAD compares: Non-Finnish European, 0.000089%; no homozygotes.

Submission:

Labcorp Genetics (formerly Invitae), Labcorp
Classification: Uncertain significance. Last evaluated: 2025-12-15. Review status: criteria provided, single submitter. Criteria: Invitae Variant Classification Sherloc (09022015). Collection method: clinical testing. Allele origin: germline.
Comment: This sequence change replaces leucine, which is neutral and non-polar, with valine, which is neutral and non-polar, at codon 8 of the LOX protein (p.Leu8Val). This variant is not present in population databases (gnomAD no frequency). This variant has not been reported in the literature in individuals affected with LOX-related conditions. Invitae Evidence Modeling of protein sequence and biophysical properties (such as structural, functional, and spatial information, amino acid conservation, physicochemical variation, residue mobility, and thermodynamic stability) indicates that this missense variant is not expected to disrupt LOX protein function with a negative predictive value of 95%. In summary, the available evidence is currently insufficient to determine the role of this variant in disease. Therefore, it has been classified as a Variant of Uncertain Significance.

NM_002317.7(LOX):c.22C>G (p.Leu8Val)

Genes: LOX (lysyl oxidase; minus strand), SRFBP1 (serum response factor binding protein 1; plus strand). Cytogenetic location: 5q23.1.
Variant type: single nucleotide variant.
Coding change: c.22C>G on transcript NM_002317.7 (MANE Select); coding-DNA position 22, C replaced by G.
Protein change: p.Leu8Val; replaces leucine 8 with valine.
Molecular consequence: missense variant.
Genome position (GRCh38, 1-based): chr5:122,077,964, G>C on the plus strand (C>G on the coding strand, the complement: LOX is on the minus strand). VCF-style: chr5-122077964-G-C. GRCh37 (hg19) VCF-style: chr5-121413659-G-C.
Other names: short protein forms L8V.
Identifiers: ClinVar variation 4710007 (VCV004710007.1).
Genomic context (GRCh38, chr5:122,077,964, plus strand): 5'-GGCCGGCGGCGGGAGGGGCGCAGTGCACTAGCGCGCAGAGCTGCAAAGGCCCGAGCAGGA[G>C]CACGGTCCAGGCGAAGCGCATCACTCCTTTTGCCAGATTGACCCCGCTCGAGGAGGACGT-3'
Protein context (NP_002308.2, residues 1-18): MRFAWTV[Leu8Val]LLGPLQLCAL